The following is an entry in ClinVar:

ClinVar aggregate classification (germline): Uncertain significance (1 of 4 stars; one submission).

Conditions:
Sulfite oxidase deficiency due to molybdenum cofactor deficiency type C. Also called: Molybdenum cofactor deficiency, complementation group C; Molybdenum cofactor deficiency C. Identifiers: Orphanet 308400, Orphanet 833, MedGen C1854990, MONDO:0014212, OMIM 615501.

Submission:

Labcorp Genetics (formerly Invitae), Labcorp
Classification: Uncertain significance for Sulfite oxidase deficiency due to molybdenum cofactor deficiency type C. Last evaluated: 2025-07-30. Review status: criteria provided, single submitter. Criteria: Invitae Variant Classification Sherloc (09022015). Collection method: clinical testing. Allele origin: germline.
Comment: This sequence change replaces proline, which is neutral and non-polar, with serine, which is neutral and polar, at codon 720 of the GPHN protein (p.Pro720Ser). This variant is not present in population databases (gnomAD no frequency). This variant has not been reported in the literature in individuals affected with GPHN-related conditions. Invitae Evidence Modeling of protein sequence and biophysical properties (such as structural, functional, and spatial information, amino acid conservation, physicochemical variation, residue mobility, and thermodynamic stability) indicates that this missense variant is expected to disrupt GPHN protein function with a positive predictive value of 80%. In summary, the available evidence is currently insufficient to determine the role of this variant in disease. Therefore, it has been classified as a Variant of Uncertain Significance.

NM_020806.5(GPHN):c.2158C>T (p.Pro720Ser)

Gene: GPHN (gephyrin; plus strand). Cytogenetic location: 14q23.3.
Variant type: single nucleotide variant.
Coding change: c.2158C>T on transcript NM_020806.5 (MANE Select); coding-DNA position 2158, C replaced by T.
Protein change: p.Pro720Ser; replaces proline 720 with serine.
Molecular consequence: missense variant.
Genome position (GRCh38, 1-based): chr14:67,179,656, C>T. VCF-style: chr14-67179656-C-T. GRCh37 (hg19) VCF-style: chr14-67646373-C-T.
Other names: c.2059C>T, p.Pro687Ser (NM_001024218.2); c.2218C>T, p.Pro740Ser (NM_001377514.1); c.2188C>T, p.Pro730Ser (NM_001377515.1); c.2179C>T, p.Pro727Ser (NM_001377516.1); c.2131C>T, p.Pro711Ser (NM_001377517.1); c.2116C>T, p.Pro706Ser (NM_001377518.1); c.2098C>T, p.Pro700Ser (NM_001377519.1); short protein forms P720S, P727S, P730S, P687S, P740S, P706S, P711S, P700S.
Identifiers: ClinVar variation 4740708 (VCV004740708.1).